The following is an entry in ClinVar:

NM_013266.4(CTNNA3):c.973C>T (p.Arg325Ter)

Gene: CTNNA3 (catenin alpha 3; minus strand). Cytogenetic location: 10q21.3.
Variant type: single nucleotide variant.
Coding change: c.973C>T on transcript NM_013266.4 (MANE Select); coding-DNA position 973, C replaced by T.
Protein change: p.Arg325Ter; replaces arginine 325 with a stop codon.
Molecular consequence: nonsense.
Genome position (GRCh38, 1-based): chr10:67,180,391, G>A on the plus strand (C>T on the coding strand, the complement: CTNNA3 is on the minus strand). VCF-style: chr10-67180391-G-A. GRCh37 (hg19) VCF-style: chr10-68940149-G-A.
Other names: c.973C>T, p.Arg325Ter (NM_001127384.3); c.1009C>T, p.Arg337Ter (NM_001291133.2); short protein forms R325*, R337*.
Identifiers: ClinVar variation 638811 (VCV000638811.9), dbSNP rs369024617, ClinGen allele CA5520440.

ClinVar aggregate classification (germline): Uncertain significance. Review status: criteria provided, multiple submitters, no conflicts (2 of 4 stars). 2 submissions from 2 submitters: Uncertain significance (2). Last evaluated 2025-07-27.

Conditions:
Arrhythmogenic right ventricular dysplasia 13. Also called: Arrhythmogenic right ventricular dysplasia, familial, 13; ARRHYTHMOGENIC RIGHT VENTRICULAR CARDIOMYOPATHY 13. Identifiers: MedGen C3810138, MONDO:0000908, OMIM 615616.

Allele frequency attached by ClinVar (database versions not stated): ExAC 0.00002; gnomAD 0.00003 and 0.00004; gnomAD exomes 0.00003; TOPMed 0.00003; ESP Exome Variant Server 0.00015.
gnomAD v4.1: 47 of 1,613,660 alleles (0.0029%); highest among the groups gnomAD compares: Non-Finnish European, 0.0037%; no homozygotes.

Submissions (2):

Labcorp Genetics (formerly Invitae), Labcorp
Classification: Uncertain significance for Arrhythmogenic right ventricular dysplasia 13. Last evaluated: 2025-07-27. Review status: criteria provided, single submitter. Criteria: Invitae Variant Classification Sherloc (09022015). Collection method: clinical testing. Allele origin: germline.
Comment: This sequence change creates a premature translational stop signal (p.Arg325*) in the CTNNA3 gene. It is expected to result in an absent or disrupted protein product. However, the current clinical and genetic evidence is not sufficient to establish whether loss-of-function variants in CTNNA3 cause disease. This variant is present in population databases (rs369024617, gnomAD 0.006%). This variant has not been reported in the literature in individuals affected with CTNNA3-related conditions. ClinVar contains an entry for this variant (Variation ID: 638811). In summary, the available evidence is currently insufficient to determine the role of this variant in disease. Therefore, it has been classified as a Variant of Uncertain Significance.

Blueprint Genetics
Classification: Uncertain significance. Last evaluated: 2024-08-26. Review status: criteria provided, single submitter. Criteria: ACMG Guidelines, 2015. Collection method: clinical testing. Allele origin: germline.